The following is an entry in ClinVar:

ClinVar aggregate classification (germline): Benign. Review status: criteria provided, multiple submitters, no conflicts (2 of 4 stars). 6 submissions from 6 submitters: Benign (6). Last evaluated 2026-02-04.

Conditions:
Cerebroretinal microangiopathy with calcifications and cysts 2 (CRMCC2). Identifiers: MedGen C4479220, MONDO:0015026, OMIM 617341.

Allele frequency attached by ClinVar (database versions not stated): ESP Exome Variant Server 0.82277; gnomAD 0.83741 and 0.84541; TOPMed 0.83889; 1000 Genomes Project 30x 0.86446; 1000 Genomes Project 0.87360; ExAC 0.90716.
gnomAD v4.1: 1,453,833 of 1,613,648 alleles (90%); highest among the groups gnomAD compares: East Asian, 100%; 657,760 homozygotes.

Submissions (6):

Labcorp Genetics (formerly Invitae), Labcorp
Classification: Benign. Last evaluated: 2026-02-04. Review status: criteria provided, single submitter. Criteria: Invitae Variant Classification Sherloc (09022015). Collection method: clinical testing. Allele origin: germline.

Blueprint Genetics
Classification: Benign. Last evaluated: 2024-11-27. Review status: criteria provided, single submitter. Criteria: ACMG Guidelines, 2015. Collection method: clinical testing. Allele origin: germline.

Mayo Clinic Laboratories, Mayo Clinic
Classification: Benign. Last evaluated: 2023-04-13. Review status: criteria provided, single submitter. Criteria: ACMG Guidelines, 2015. Collection method: clinical testing. Allele origin: germline. Observed: 371 variant alleles.
Comment: BA1, BP4

Genome-Nilou Lab
Classification: Benign for Cerebroretinal microangiopathy with calcifications and cysts 2. Last evaluated: 2021-09-05. Review status: criteria provided, single submitter. Criteria: ACMG Guidelines, 2015. Collection method: clinical testing. Allele origin: germline. Affected: no.

GeneDx
Classification: Benign. Last evaluated: 2019-06-11. Review status: criteria provided, single submitter. Criteria: GeneDx Variant Classification Process June 2021. Collection method: clinical testing. Allele origin: germline. Affected: yes.
Comment: This variant is associated with the following publications: (PMID: 27346685)

Breakthrough Genomics
Classification: Benign. Review status: criteria provided, single submitter. Criteria: ACMG Guidelines, 2015. Collection method: not provided. Allele origin: germline. Inheritance: Autosomal recessive inheritance. Affected: yes.

NM_024928.5(STN1):c.451A>G (p.Thr151Ala)

Gene: STN1 (STN1 subunit of CST complex; minus strand). Cytogenetic location: 10q24.33.
Variant type: single nucleotide variant.
Coding change: c.451A>G on transcript NM_024928.5 (MANE Select); coding-DNA position 451, A replaced by G.
Protein change: p.Thr151Ala; replaces threonine 151 with alanine.
Molecular consequence: missense variant.
Genome position (GRCh38, 1-based): chr10:103,900,068, T>C on the plus strand (A>G on the coding strand, the complement: STN1 is on the minus strand). VCF-style: chr10-103900068-T-C. GRCh37 (hg19) VCF-style: chr10-105659826-T-C.
Other names: p.Thr151Ala; short protein forms T151A.
Identifiers: ClinVar variation 1169388 (VCV001169388.16), dbSNP rs2487999, ClinGen allele CA5676618.
Genomic context (GRCh38, chr10:103,900,068, plus strand): 5'-ACTGGACGCACATCCAGAAAAACCACCAATTTGGTAGAAATATCTTGTGCTTACAGTAAG[T>C]GGTGGCATGAATCTCTCGCTCTTCTCTGTATGTGCGGATACTGCCTCTGACTCGGATCGT-3'
Protein context (NP_079204.2, residues 141-161): YREEREIHAT[Thr151Ala]YYKVDDPVWN